The following is an entry in ClinVar:

NM_003171.5(SUPV3L1):c.1724G>T (p.Cys575Phe)

Gene: SUPV3L1 (Suv3 like RNA helicase; plus strand). Cytogenetic location: 10q22.1.
Variant type: single nucleotide variant.
Coding change: c.1724G>T on transcript NM_003171.5 (MANE Select); coding-DNA position 1724, G replaced by T.
Protein change: p.Cys575Phe; replaces cysteine 575 with phenylalanine.
Molecular consequence: missense variant. On other transcripts: non-coding transcript variant (2).
Genome position (GRCh38, 1-based): chr10:69,202,991, G>T. VCF-style: chr10-69202991-G-T. GRCh37 (hg19) VCF-style: chr10-70962747-G-T.
Other names: c.1331G>T, p.Cys444Phe (NM_001301683.2, NM_001323584.2); c.1361G>T, p.Cys454Phe (NM_001323585.2, NM_001323586.2); c.737G>T, p.Cys246Phe (NM_001323587.2, NM_001323588.2); short protein forms C246F, C444F, C454F, C575F.
Identifiers: ClinVar variation 4681015 (VCV004681015.1).

ClinVar aggregate classification (germline): Uncertain significance (1 of 4 stars; one submission).

Submission:

GeneDx
Classification: Uncertain significance. Last evaluated: 2025-07-03. Review status: criteria provided, single submitter. Criteria: GeneDx Variant Classification Process June 2021. Collection method: clinical testing. Allele origin: germline. Affected: yes.
Comment: Not observed at significant frequency in large population cohorts (gnomAD); In silico analysis supports that this missense variant has a deleterious effect on protein structure/function; In silico analysis suggests this variant may impact gene splicing. In the absence of RNA/functional studies, the actual effect of this sequence change is unknown.; Has not been previously published as pathogenic or benign to our knowledge